The following is an entry in ClinVar:

NM_001846.4(COL4A2):c.4623C>G (p.Phe1541Leu)

Genes: COL4A2 (collagen type IV alpha 2 chain; plus strand), COL4A2-AS1 (COL4A2 antisense RNA 1; minus strand). Cytogenetic location: 13q34.
Variant type: single nucleotide variant.
Coding change: c.4623C>G on transcript NM_001846.4 (MANE Select); coding-DNA position 4623, C replaced by G.
Protein change: p.Phe1541Leu; replaces phenylalanine 1541 with leucine.
Molecular consequence: missense variant.
Genome position (GRCh38, 1-based): chr13:110,507,963, C>G. VCF-style: chr13-110507963-C-G. GRCh37 (hg19) VCF-style: chr13-111160310-C-G.
Other names: short protein forms F1541L.
Identifiers: ClinVar variation 973341 (VCV000973341.8), dbSNP rs201158095, ClinGen allele CA7050619.
Genomic context (GRCh38, chr13:110,507,963, plus strand): 5'-GCACTGTGATCTCATGACCCCTCCTTCCACAGGGCTGGCGGGCTCCTGCCTGGCGCGGTT[C>G]AGCACCATGCCCTTCCTGTACTGCAACCCTGGTGATGTCTGCTACTATGCCAGCCGGAAC-3'
Protein context (NP_001837.2, residues 1531-1551): LGLAGSCLAR[Phe1541Leu]STMPFLYCNP

ClinVar aggregate classification (germline): Uncertain significance. Review status: criteria provided, multiple submitters, no conflicts (2 of 4 stars). 3 submissions from 3 submitters: Uncertain significance (3). Last evaluated 2024-09-02.

Conditions:
Inborn genetic diseases. Identifiers: MedGen C0950123, MeSH D030342.
Brain small vessel disease 2A, autosomal dominant. Also called: Porencephaly 2. Identifiers: Orphanet 2940, Orphanet 99810, MedGen C3280970, MONDO:0013773, OMIM 614483.

Allele frequency attached by ClinVar (database versions not stated): gnomAD exomes 0.00002 and 0.00009; ExAC 0.00003; gnomAD 0.00003; TOPMed 0.00004.
gnomAD v4.1: 134 of 1,613,994 alleles (0.0083%); highest among the groups gnomAD compares: Non-Finnish European, 0.011%; no homozygotes.

Submissions (3):

Ambry Genetics
Classification: Uncertain significance for Inborn genetic diseases. Last evaluated: 2024-09-02. Review status: criteria provided, single submitter. Criteria: Ambry Variant Classification Scheme 2023. Collection method: clinical testing. Allele origin: germline.

Labcorp Genetics (formerly Invitae), Labcorp
Classification: Uncertain significance. Last evaluated: 2022-07-05. Review status: criteria provided, single submitter. Criteria: Invitae Variant Classification Sherloc (09022015). Collection method: clinical testing. Allele origin: germline.
Comment: ClinVar contains an entry for this variant (Variation ID: 973341). In summary, the available evidence is currently insufficient to determine the role of this variant in disease. Therefore, it has been classified as a Variant of Uncertain Significance. Experimental studies and prediction algorithms are not available or were not evaluated, and the functional significance of this variant is currently unknown. This variant has not been reported in the literature in individuals affected with COL4A2-related conditions. This variant is present in population databases (rs201158095, gnomAD 0.005%). This sequence change replaces phenylalanine, which is neutral and non-polar, with leucine, which is neutral and non-polar, at codon 1541 of the COL4A2 protein (p.Phe1541Leu).

UNC Molecular Genetics  Laboratory, University of North Carolina at Chapel Hill
Classification: Uncertain significance for Porencephaly 2. Review status: criteria provided, single submitter. Criteria: ACMG Guidelines, 2015. Collection method: research. Allele origin: germline. Observed: 1 variant allele. Study: CSER_NCGENES_2.
Comment: COL4A2 c.4623C>G [p.F1541L] is a missense variant that changes a single amino acid from a phenylalanine to a leucine. This is a rare variant present in population databases at low allele frequency (gnomAD); however this variant has not been previously reported in association with neurodevelopmental disorders and is of uncertain clinical significance.